The following is an entry in ClinVar:

ClinVar aggregate classification (germline): Likely pathogenic (1 of 4 stars; one submission).

Conditions:
Autosomal recessive polycystic kidney disease (ARPKD). Also called: AR polycystic kidney disease. Identifiers: Orphanet 731, Orphanet 8378, MedGen C0085548, MeSH D017044, MONDO:0009889.

Submission:

Natera, Inc.
Classification: Likely pathogenic for Autosomal recessive polycystic kidney disease. Last evaluated: 2025-01-27. Review status: criteria provided, single submitter. Criteria: Natera Variant Classification Schema (03/2026). Collection method: clinical testing. Allele origin: germline.
Comment: The c.11174+1G>A variant in PKHD1 is a canonical splice donor site variant predicted to affect pre-mRNA splicing, which may result in an abnormal transcript and altered protein product. This variant is expected to result in nonsense mediated decay, truncation, or a dysfunctional protein product. This variant is rare in the general population with a frequency below the threshold expected for the associated phenotype(s). Given the available evidence, this variant is classified as Likely Pathogenic.

NM_138694.4(PKHD1):c.11174+1G>A

Gene: PKHD1 (PKHD1 ciliary IPT domain containing fibrocystin/polyductin; minus strand). Cytogenetic location: 6p12.3.
Variant type: single nucleotide variant.
Coding change: c.11174+1G>A on transcript NM_138694.4 (MANE Select); the canonical splice donor site of the intron after coding-DNA position 11174, G replaced by A.
Molecular consequence: splice donor variant.
Genome position (GRCh38, 1-based): chr6:51,658,951, C>T on the plus strand (G>A on the coding strand, the complement: PKHD1 is on the minus strand). VCF-style: chr6-51658951-C-T. GRCh37 (hg19) VCF-style: chr6-51523749-C-T.
Identifiers: ClinVar variation 4816544 (VCV004816544.1).